The following is an entry in ClinVar:

ClinVar aggregate classification (germline): Uncertain significance. Review status: criteria provided, multiple submitters, no conflicts (2 of 4 stars). 2 submissions from 2 submitters: Uncertain significance (2). Last evaluated 2023-10-03.

Allele frequency attached by ClinVar (database versions not stated): gnomAD exomes 0.00001; TOPMed 0.00001.
gnomAD v4.1: 12 of 1,612,182 alleles (0.00074%); highest among the groups gnomAD compares: Non-Finnish European, 0.001%; no homozygotes.

Submissions (2):

Labcorp Genetics (formerly Invitae), Labcorp
Classification: Uncertain significance. Last evaluated: 2023-10-03. Review status: criteria provided, single submitter. Criteria: Invitae Variant Classification Sherloc (09022015). Collection method: clinical testing. Allele origin: germline.
Comment: This sequence change replaces proline, which is neutral and non-polar, with alanine, which is neutral and non-polar, at codon 301 of the PNLIP protein (p.Pro301Ala). This variant is not present in population databases (gnomAD no frequency). This variant has not been reported in the literature in individuals affected with PNLIP-related conditions. ClinVar contains an entry for this variant (Variation ID: 2090912). Advanced modeling of protein sequence and biophysical properties (such as structural, functional, and spatial information, amino acid conservation, physicochemical variation, residue mobility, and thermodynamic stability) performed at Invitae indicates that this missense variant is not expected to disrupt PNLIP protein function. In summary, the available evidence is currently insufficient to determine the role of this variant in disease. Therefore, it has been classified as a Variant of Uncertain Significance.

Ambry Genetics
Classification: Uncertain significance. Last evaluated: 2021-09-16. Review status: criteria provided, single submitter. Criteria: Ambry Variant Classification Scheme 2023. Collection method: clinical testing. Allele origin: germline.

NM_000936.4(PNLIP):c.901C>G (p.Pro301Ala)

Gene: PNLIP (pancreatic lipase; plus strand). Cytogenetic location: 10q25.3.
Variant type: single nucleotide variant.
Coding change: c.901C>G on transcript NM_000936.4 (MANE Select); coding-DNA position 901, C replaced by G.
Protein change: p.Pro301Ala; replaces proline 301 with alanine.
Molecular consequence: missense variant.
Genome position (GRCh38, 1-based): chr10:116,556,089, C>G. VCF-style: chr10-116556089-C-G. GRCh37 (hg19) VCF-style: chr10-118315601-C-G.
Other names: short protein forms P301A.
Identifiers: ClinVar variation 2090912 (VCV002090912.4), dbSNP rs1416366394, ClinGen allele CA378497184.